The following is an entry in ClinVar:

NM_001923.5(DDB1):c.1225G>T (p.Gly409Ter)

Gene: DDB1 (damage specific DNA binding protein 1; minus strand). Cytogenetic location: 11q12.2.
Variant type: single nucleotide variant.
Coding change: c.1225G>T on transcript NM_001923.5 (MANE Select); coding-DNA position 1225, G replaced by T.
Protein change: p.Gly409Ter; replaces glycine 409 with a stop codon.
Molecular consequence: nonsense.
Genome position (GRCh38, 1-based): chr11:61,321,595, C>A on the plus strand (G>T on the coding strand, the complement: DDB1 is on the minus strand). VCF-style: chr11-61321595-C-A. GRCh37 (hg19) VCF-style: chr11-61089067-C-A.
Other names: NC_000011.9:g.61089067C>A; short protein forms G409*.
Identifiers: ClinVar variation 4088009 (VCV004088009.2).

ClinVar aggregate classification (germline): Uncertain significance (1 of 4 stars; one submission).

Submissions (2):

GeneDx
Classification: Uncertain significance. Last evaluated: 2025-03-26. Review status: criteria provided, single submitter. Criteria: GeneDx Variant Classification Process June 2021. Collection method: clinical testing. Allele origin: germline. Affected: yes.
Comment: Not observed at significant frequency in large population cohorts (gnomAD); Nonsense variant predicted to result in protein truncation or nonsense mediated decay in a gene or region of a gene for which loss of function is not a well-established mechanism of disease; Has not been previously published as pathogenic or benign to our knowledge

Dr. Peter K. Rogan Lab, Western University
No classification provided (evidence only). Condition: Papillary renal cell carcinoma type 1. Review status: no classification provided. Collection method: in vitro. Allele origin: not applicable. Functional consequence: retained intron. Not counted in ClinVar's aggregate classification.